The following is an entry in ClinVar:

ClinVar aggregate classification (germline): Uncertain significance (1 of 4 stars; one submission).

Conditions:
Moyamoya disease 2 (MYMY2). Also called: MOYAMOYA DISEASE 2, SUSCEPTIBILITY TO. Identifiers: Orphanet 2573, MedGen C1846689, MONDO:0011784, OMIM 607151.

Allele frequency attached by ClinVar (database versions not stated): gnomAD exomes below 0.00001.
gnomAD v4.1: 3 of 1,614,130 alleles (0.00019%); highest among the groups gnomAD compares: Non-Finnish European, 0.00025%; no homozygotes.

Submission:

Neuberg Centre For Genomic Medicine, NCGM
Classification: Uncertain significance for Moyamoya disease 2. Review status: criteria provided, single submitter. Criteria: ACMG Guidelines, 2015. Collection method: clinical testing. Allele origin: germline. Inheritance: Autosomal dominant inheritance. Affected: yes.
Comment: The missense variant c.65G>A(p.Gly22Glu) in RNF213 gene has not been reported previously as a pathogenic variant nor as a benign variant, to our knowledge. The observed variant is absent in gnomAD exomes database. This variant has not been submitted to the ClinVar database. The amino acid change p.Gly22Glu in RNF213 is predicted as conserved by GERP++ and PhyloP across 100 vertebrates. Multiple lines of computational evidence (SIFT- damaging and MutationTaster- polymorphism) predicts a conflicting evidences on protein structure and function for this variant. The amino acid Gly at position 22 is changed to a Glu changing protein sequence and it might alter its composition and physico-chemical properties. For these reasons, this variant has been classified as Uncertain Significance (VUS).

NM_001256071.3(RNF213):c.65G>A (p.Gly22Glu)

Gene: RNF213 (ring finger protein 213; plus strand). Cytogenetic location: 17q25.3.
Variant type: single nucleotide variant.
Coding change: c.65G>A on transcript NM_001256071.3 (MANE Select); coding-DNA position 65, G replaced by A.
Protein change: p.Gly22Glu; replaces glycine 22 with glutamic acid.
Molecular consequence: missense variant.
Genome position (GRCh38, 1-based): chr17:80,263,746, G>A. VCF-style: chr17-80263746-G-A. GRCh37 (hg19) VCF-style: chr17-78237545-G-A.
Other names: c.65G>A, p.Gly22Glu (NM_001410195.1, NM_020914.5, NM_020954.4); short protein forms G22E.
Identifiers: ClinVar variation 3242122 (VCV003242122.1), dbSNP rs2511010503.